The following is an entry in ClinVar:

NM_001042492.3(NF1):c.2725G>T (p.Val909Leu)

Gene: NF1 (neurofibromin 1; plus strand). Cytogenetic location: 17q11.2.
Variant type: single nucleotide variant.
Coding change: c.2725G>T on transcript NM_001042492.3 (MANE Select); coding-DNA position 2725, G replaced by T.
Protein change: p.Val909Leu; replaces valine 909 with leucine.
Molecular consequence: missense variant.
Genome position (GRCh38, 1-based): chr17:31,229,340, G>T. VCF-style: chr17-31229340-G-T. GRCh37 (hg19) VCF-style: chr17-29556358-G-T.
Other names: c.2725G>T, p.Val909Leu (NM_000267.4); short protein forms V909L.
Identifiers: ClinVar variation 565794 (VCV000565794.5), dbSNP rs1567849105, ClinGen allele CA398985187.

ClinVar aggregate classification (germline): Uncertain significance (1 of 4 stars; one submission).

Conditions:
Neurofibromatosis, type 1 (NF1). Also called: VON RECKLINGHAUSEN DISEASE; NEUROFIBROMATOSIS, TYPE I, SOMATIC; Peripheral type neurofibromatosis; Neurofibromatosis, type I. Identifiers: Orphanet 636, MedGen C0027831, MONDO:0018975, OMIM 162200. Disease mechanism: loss of function.

Submission:

Labcorp Genetics (formerly Invitae), Labcorp
Classification: Uncertain significance for Neurofibromatosis, type 1. Last evaluated: 2018-04-13. Review status: criteria provided, single submitter. Criteria: Invitae Variant Classification Sherloc (09022015). Collection method: clinical testing. Allele origin: germline.
Comment: In summary, the available evidence is currently insufficient to determine the role of this variant in disease. Therefore, it has been classified as a Variant of Uncertain Significance. This sequence change replaces valine with leucine at codon 909 of the NF1 protein (p.Val909Leu). The valine residue is moderately conserved and there is a small physicochemical difference between valine and leucine. This variant is not present in population databases (ExAC no frequency). This variant has not been reported in the literature in individuals with NF1-related disease. Algorithms developed to predict the effect of missense changes on protein structure and function do not agree on the potential impact of this missense change (SIFT: "Tolerated"; PolyPhen-2: "Probably Damaging"; Align-GVGD: "Class C0").